The following is an entry in ClinVar:

NM_000238.4(KCNH2):c.131G>T (p.Cys44Phe)

Gene: KCNH2 (potassium voltage-gated channel subfamily H member 2; minus strand). Cytogenetic location: 7q36.1.
Variant type: single nucleotide variant.
Coding change: c.131G>T on transcript NM_000238.4 (MANE Select); coding-DNA position 131, G replaced by T.
Protein change: p.Cys44Phe; replaces cysteine 44 with phenylalanine.
Molecular consequence: missense variant.
Genome position (GRCh38, 1-based): chr7:150,974,887, C>A on the plus strand (G>T on the coding strand, the complement: KCNH2 is on the minus strand). VCF-style: chr7-150974887-C-A. GRCh37 (hg19) VCF-style: chr7-150671975-C-A.
Other names: c.131G>T (LRG_288t1); c.-47G>T (NM_001406755.1); c.131G>T, p.Cys44Phe (NM_172056.3); short protein forms C44F.
Identifiers: ClinVar variation 67186 (VCV000067186.3), dbSNP rs199473489, ClinGen allele CA004463.

ClinVar aggregate classification (germline): not provided (0 of 4 stars; one submission).

Conditions:
Familial long QT syndrome (RWS). Also called: Congenital long QT syndrome; Romano-Ward syndrome; VENTRICULAR FIBRILLATION WITH PROLONGED QT INTERVAL. Identifiers: Orphanet 768, MedGen C1141890, MONDO:0019171.

Submission:

Cardiovascular Biomedical Research Unit, Royal Brompton & Harefield NHS Foundation Trust
No classification provided. Condition: Familial long QT syndrome. Review status: no classification provided. Collection method: literature only. Allele origin: germline.
Comment: This variant has been reported as associated with Long QT syndrome in the following publications (PMID:11222472). This is a literature report, and does not necessarily reflect the clinical interpretation of the Imperial College / Royal Brompton Cardiovascular Genetics laboratory.

Literature cited by the submitters: PubMed 11222472; PubMed 22581653.